The following is an entry in ClinVar:

NM_004217.4(AURKB):c.74C>T (p.Pro25Leu)

Gene: AURKB (aurora kinase B; minus strand). Cytogenetic location: 17p13.1.
Variant type: single nucleotide variant.
Coding change: c.74C>T on transcript NM_004217.4 (MANE Select); coding-DNA position 74, C replaced by T.
Protein change: p.Pro25Leu; replaces proline 25 with leucine.
Molecular consequence: missense variant. On other transcripts: 5 prime UTR variant (5), non-coding transcript variant (2).
Genome position (GRCh38, 1-based): chr17:8,207,815, G>A on the plus strand (C>T on the coding strand, the complement: AURKB is on the minus strand). VCF-style: chr17-8207815-G-A. GRCh37 (hg19) VCF-style: chr17-8111133-G-A.
Other names: c.-50C>T (NM_001256834.3, NM_001313951.1, NM_001313952.2); c.74C>T, p.Pro25Leu (NM_001284526.2, NM_001313950.2, NM_001313953.3); c.-393C>T (NM_001313954.2); c.-150C>T (NM_001313955.2); short protein forms P25L.
Identifiers: ClinVar variation 931198 (VCV000931198.3), dbSNP rs1391275763, ClinGen allele CA397991707.
Genomic context (GRCh38, chr17:8,207,815, plus strand): 5'-GAGCGGCTCATGAGGACAAGTGCAGATGGGGTGACAGGCTCTTTCCGGAGGACTCGCTGG[G>A]GCAGGGTGCTCAGGCCAGATGGAGCCTGAGAAGGAGCAGGGGGTAGCTCTGAGGGTGCCT-3'
Protein context (NP_004208.2, residues 15-35): QTAPSGLSTL[Pro25Leu]QRVLRKEPVT

ClinVar aggregate classification (germline): Uncertain significance (1 of 4 stars; one submission).

Allele frequency attached by ClinVar (database versions not stated): gnomAD exomes below 0.00001; gnomAD 0.00001; TOPMed 0.00001.

Submission:

Centre for Mendelian Genomics, University Medical Centre Ljubljana
Classification: Uncertain significance. Last evaluated: 2018-10-26. Review status: criteria provided, single submitter. Criteria: ACMG Guidelines, 2015. Collection method: clinical testing. Allele origin: unknown. Affected: yes.
Comment: This variant was classified as: Uncertain significance. The available evidence favors the benign nature of this variant, however the evidence is insufficent to prove its benign nature. The following ACMG criteria were applied in classifying this variant: No criteria apply.